The following is an entry in ClinVar:

NM_176787.5(PIGN):c.1886T>C (p.Leu629Pro)

Gene: PIGN (phosphatidylinositol glycan anchor biosynthesis class N; minus strand). Cytogenetic location: 18q21.33.
Variant type: single nucleotide variant.
Coding change: c.1886T>C on transcript NM_176787.5 (MANE Select); coding-DNA position 1886, T replaced by C.
Protein change: p.Leu629Pro; replaces leucine 629 with proline.
Molecular consequence: missense variant.
Genome position (GRCh38, 1-based): chr18:62,102,876, A>G on the plus strand (T>C on the coding strand, the complement: PIGN is on the minus strand). VCF-style: chr18-62102876-A-G. GRCh37 (hg19) VCF-style: chr18-59770109-A-G.
Other names: c.1886T>C, p.Leu629Pro (NM_012327.6); short protein forms L629P.
Identifiers: ClinVar variation 579078 (VCV000579078.9), dbSNP rs765678852, ClinGen allele CA8982145.
Genomic context (GRCh38, chr18:62,102,876, plus strand): 5'-TCTTCCTTTATAAAGCTATCTTTTCTTTTCATGAGAGATGTTACAACACACAGGGATAAC[A>G]GAAGAACCAGCAAGCCTGCACCCATCCTGTTTTGAAATACAATTAATTTTAAATTTTCTT-3'
Protein context (NP_789744.1, residues 619-639): LVMGAGLLVL[Leu629Pro]LSLCVVTSLM

ClinVar aggregate classification (germline): Uncertain significance. Review status: criteria provided, multiple submitters, no conflicts (2 of 4 stars). 2 submissions from 2 submitters: Uncertain significance (2). Last evaluated 2024-12-10.

Conditions:
Inborn genetic diseases. Identifiers: MedGen C0950123, MeSH D030342.
Multiple congenital anomalies-hypotonia-seizures syndrome 1 (MCAHS1). Also called: Congenital disorder of glycosylation due to PIGN deficiency; PIGN-CDG; GLYCOSYLPHOSPHATIDYLINOSITOL BIOSYNTHESIS DEFECT 3. Identifiers: Orphanet 280633, MedGen C3279775, MONDO:0013563, OMIM 614080.

Allele frequency attached by ClinVar (database versions not stated): gnomAD exomes below 0.00001; gnomAD 0.00001; TOPMed 0.00001; ExAC 0.00002.
gnomAD v4.1: 4 of 1,585,034 alleles (0.00025%); highest among the groups gnomAD compares: Admixed American, 0.0036%; no homozygotes.

Submissions (2):

Ambry Genetics
Classification: Uncertain significance for Inborn genetic diseases. Last evaluated: 2024-12-10. Review status: criteria provided, single submitter. Criteria: Ambry Variant Classification Scheme 2023. Collection method: clinical testing. Allele origin: germline.

Labcorp Genetics (formerly Invitae), Labcorp
Classification: Uncertain significance for Multiple congenital anomalies-hypotonia-seizures syndrome 1. Last evaluated: 2022-09-07. Review status: criteria provided, single submitter. Criteria: Invitae Variant Classification Sherloc (09022015). Collection method: clinical testing. Allele origin: germline.
Comment: In summary, the available evidence is currently insufficient to determine the role of this variant in disease. Therefore, it has been classified as a Variant of Uncertain Significance. Algorithms developed to predict the effect of missense changes on protein structure and function (SIFT, PolyPhen-2, Align-GVGD) all suggest that this variant is likely to be disruptive. ClinVar contains an entry for this variant (Variation ID: 579078). This variant has not been reported in the literature in individuals affected with PIGN-related conditions. The frequency data for this variant in the population databases is considered unreliable, as metrics indicate poor data quality at this position in the gnomAD database. This sequence change replaces leucine, which is neutral and non-polar, with proline, which is neutral and non-polar, at codon 629 of the PIGN protein (p.Leu629Pro).